The following is an entry in ClinVar:

ClinVar aggregate classification (germline): Pathogenic. Review status: criteria provided, single submitter (1 of 4 stars). 4 submissions from 4 submitters: Pathogenic (1). 3 of the submissions do not count toward it. Last evaluated 2018-12-18.

Conditions:
Charcot-Marie-Tooth disease. Also called: Charcot-Marie-Tooth Neuropathy; Charcot-Marie-Tooth Hereditary Neuropathy. Identifiers: Orphanet 166, MedGen C0007959, MONDO:0015626.
Charcot-Marie-Tooth Neuropathy X. Identifiers: MedGen CN118851.
Charcot-Marie-Tooth disease X-linked dominant 1. Also called: X-linked Charcot-Marie-Tooth disease type 1; CHARCOT-MARIE-TOOTH NEUROPATHY, X-LINKED, 1; CHARCOT-MARIE-TOOTH PERONEAL MUSCULAR ATROPHY, X-LINKED; Charcot-Marie-Tooth Neuropathy X Type 1; GJB1 Disorders: Charcot-Marie-Tooth Neuropathy (CMT1X) and Central Nervous System Phenotypes; HEREDITARY MOTOR AND SENSORY NEUROPATHY, X-LINKED. Identifiers: Orphanet 101075, MedGen C0393808, MONDO:0010549, OMIM 302800.

Submissions (4):

Labcorp Genetics (formerly Invitae), Labcorp
Classification: Pathogenic for Charcot-Marie-Tooth Neuropathy X. Last evaluated: 2018-12-18. Review status: criteria provided, single submitter. Criteria: Invitae Variant Classification Sherloc (09022015). Collection method: clinical testing. Allele origin: germline.
Comment: This variant, c.304_306delGAG, results in the deletion of 1 amino acid of the GJB1 protein (p.Glu102del), but otherwise preserves the integrity of the reading frame. This variant is not present in population databases (ExAC no frequency). This variant has been observed to segregate in several families affected with X-linked Charcot-Marie-Tooth disease (CMTX) (PMID: 12707076, Invitae). ClinVar contains an entry for this variant (Variation ID: 477594). Experimental studies have shown that this variant disrupts the formation of gap junction plaques (PMID: 28071741). This variant disrupts the p.Glu102 amino acid residue in GJB1. Other variant(s) that disrupt this residue have been observed in affected individuals (PMID: 8004109, 14627639, 17353473), suggesting that it is a clinically significant residue. As a result, variants that disrupt this residue are likely to be causative of disease. For these reasons, this variant has been classified as Pathogenic.

Inherited Neuropathy Consortium Ii, University Of Miami
Classification: Uncertain significance for Charcot-Marie-Tooth disease X-linked dominant 1. Last evaluated: 2016-01-06. Review status: no assertion criteria provided. Collection method: literature only. Allele origin: germline. Affected: yes. Not counted in ClinVar's aggregate classification.

OMIM
Classification: Pathogenic for CHARCOT-MARIE-TOOTH DISEASE, X-LINKED DOMINANT, 1. Last evaluated: 2003-04-01. Review status: no assertion criteria provided. Collection method: literature only. Allele origin: germline. Not counted in ClinVar's aggregate classification.

Inherited Neuropathy Consortium
Classification: Uncertain significance for Charcot-Marie-Tooth disease. Review status: no assertion criteria provided. Collection method: literature only. Allele origin: germline. Affected: yes. Not counted in ClinVar's aggregate classification.

Literature cited by the submitters: PubMed 12707076 (cited by 4 submitters); PubMed 28071741 (cited by Labcorp Genetics (formerly Invitae), Labcorp); PubMed 8004109 (cited by Labcorp Genetics (formerly Invitae), Labcorp); PubMed 14627639 (cited by Labcorp Genetics (formerly Invitae), Labcorp); PubMed 17353473 (cited by Labcorp Genetics (formerly Invitae), Labcorp).

NM_000166.6(GJB1):c.304_306del (p.Glu102del)

Gene: GJB1 (gap junction protein beta 1; plus strand). Cytogenetic location: Xq13.1.
Variant type: Deletion.
Coding change: c.304_306del on transcript NM_000166.6 (MANE Select); coding-DNA positions 304 to 306, 3 bases deleted (GAG; older notation c.304_306delGAG).
Protein change: p.Glu102del; deletes glutamic acid 102.
Molecular consequence: inframe deletion.
Genome position (GRCh38, 1-based): chrX:71,224,011-71,224,013, GAG deleted. VCF-style (leftmost placement, unchanged base first): chrX-71224010-AGAG-A. GRCh37 (hg19) VCF-style: chrX-70443860-AGAG-A.
Other names: c.304_306del, p.Glu102del (NM_001097642.3); short protein forms E102del.
Identifiers: ClinVar variation 477594 (VCV000477594.11), dbSNP rs1555937135, ClinGen allele CA658659010.